The following is an entry in ClinVar:

NM_033109.5(PNPT1):c.1850G>A (p.Arg617Gln)

Gene: PNPT1 (polyribonucleotide nucleotidyltransferase 1; minus strand). Cytogenetic location: 2p16.1.
Variant type: single nucleotide variant.
Coding change: c.1850G>A on transcript NM_033109.5 (MANE Select); coding-DNA position 1850, G replaced by A.
Protein change: p.Arg617Gln; replaces arginine 617 with glutamine.
Molecular consequence: missense variant.
Genome position (GRCh38, 1-based): chr2:55,644,693, C>T on the plus strand (G>A on the coding strand, the complement: PNPT1 is on the minus strand). VCF-style: chr2-55644693-C-T. GRCh37 (hg19) VCF-style: chr2-55871828-C-T.
Other names: short protein forms R617Q.
Identifiers: ClinVar variation 2097843 (VCV002097843.4), dbSNP rs764882684, ClinGen allele CA1667909.
Genomic context (GRCh38, chr2:55,644,693, plus strand): 5'-TTACCTGTTTCAGCCTGAAGTTTTTTTAAGTTATAGCCACCAGGTCCAACAAATTTTGCT[C>T]GTTTTGATAATGGAACCTGAACAGTTTCTGGAACGTAATACAGACAAATATATAAACAAT-3'
Protein context (NP_149100.2, residues 607-627): VETVQVPLSK[Arg617Gln]AKFVGPGGYN

ClinVar aggregate classification (germline): Uncertain significance (1 of 4 stars; one submission).

Allele frequency attached by ClinVar (database versions not stated): gnomAD exomes below 0.00001; TOPMed below 0.00001; ExAC 0.00002.
gnomAD v4.1: 4 of 1,611,816 alleles (0.00025%); highest among the groups gnomAD compares: Non-Finnish European, 0.00017%; no homozygotes.

Submission:

Labcorp Genetics (formerly Invitae), Labcorp
Classification: Uncertain significance. Last evaluated: 2024-10-21. Review status: criteria provided, single submitter. Criteria: Invitae Variant Classification Sherloc (09022015). Collection method: clinical testing. Allele origin: germline.
Comment: This sequence change replaces arginine, which is basic and polar, with glutamine, which is neutral and polar, at codon 617 of the PNPT1 protein (p.Arg617Gln). This variant is present in population databases (rs764882684, gnomAD 0.002%). This variant has not been reported in the literature in individuals affected with PNPT1-related conditions. ClinVar contains an entry for this variant (Variation ID: 2097843). Invitae Evidence Modeling of protein sequence and biophysical properties (such as structural, functional, and spatial information, amino acid conservation, physicochemical variation, residue mobility, and thermodynamic stability) indicates that this missense variant is not expected to disrupt PNPT1 protein function with a negative predictive value of 80%. In summary, the available evidence is currently insufficient to determine the role of this variant in disease. Therefore, it has been classified as a Variant of Uncertain Significance.